The following is an entry in ClinVar:

ClinVar aggregate classification (germline): Conflicting classifications of pathogenicity. Review status: criteria provided, conflicting classifications (1 of 4 stars). 4 submissions from 3 submitters: Uncertain significance (3); Likely benign (1). Last evaluated 2025-08-16.

Conditions:
Cardiovascular phenotype. Identifiers: MedGen CN230736.
Hereditary cancer-predisposing syndrome. Also called: Hereditary Cancer Syndrome; Neoplastic Syndromes, Hereditary; Tumor predisposition; Hereditary neoplastic syndrome. Identifiers: Orphanet 140162, MedGen C0027672, MeSH D009386, MONDO:0015356.
Neurofibromatosis, type 1 (NF1). Also called: Neurofibromatosis, type I; VON RECKLINGHAUSEN DISEASE; NEUROFIBROMATOSIS, TYPE I, SOMATIC; Peripheral type neurofibromatosis. Identifiers: Orphanet 636, MedGen C0027831, MONDO:0018975, OMIM 162200. Disease mechanism: loss of function.

Allele frequency attached by ClinVar (database versions not stated): gnomAD exomes below 0.00001; TOPMed 0.00001.
gnomAD v4.1: 1 of 1,608,958 alleles (0.000062%); highest among the groups gnomAD compares: African/African-American, 0.0013%; no homozygotes.

Submissions (4):

Ambry Genetics
Classification: Likely benign for Cardiovascular phenotype; Hereditary cancer-predisposing syndrome. Last evaluated: 2025-08-16. Review status: criteria provided, single submitter. Criteria: Ambry Variant Classification Scheme 2023. Collection method: clinical testing. Allele origin: germline.

Labcorp Genetics (formerly Invitae), Labcorp
Classification: Uncertain significance for Neurofibromatosis, type 1. Last evaluated: 2024-05-18. Review status: criteria provided, single submitter. Criteria: Invitae Variant Classification Sherloc (09022015). Collection method: clinical testing. Allele origin: germline.
Comment: This sequence change replaces valine, which is neutral and non-polar, with isoleucine, which is neutral and non-polar, at codon 1588 of the NF1 protein (p.Val1588Ile). This variant is not present in population databases (gnomAD no frequency). This variant has not been reported in the literature in individuals affected with NF1-related conditions. ClinVar contains an entry for this variant (Variation ID: 231123). Advanced modeling of protein sequence and biophysical properties (such as structural, functional, and spatial information, amino acid conservation, physicochemical variation, residue mobility, and thermodynamic stability) performed at Invitae indicates that this missense variant is not expected to disrupt NF1 protein function with a negative predictive value of 95%. In summary, the available evidence is currently insufficient to determine the role of this variant in disease. Therefore, it has been classified as a Variant of Uncertain Significance.

Genome-Nilou Lab
Classification: Uncertain significance for Neurofibromatosis, type 1. Last evaluated: 2022-03-15. Review status: criteria provided, single submitter. Criteria: ACMG Guidelines, 2015. Collection method: clinical testing. Allele origin: germline. Affected: no.

Ambry Genetics
Classification: Uncertain significance for Hereditary cancer-predisposing syndrome. Last evaluated: 2015-03-23. Review status: criteria provided, single submitter. Criteria: Ambry Autosomal Dominant and X-Linked criteria (10/2015). Collection method: clinical testing. Allele origin: germline. Observed: 1 variant allele.
Comment: <span style="font-size:12px"><span style="font-family:arial,helvetica,sans-serif">The p.V1609I variant (also known as c.4825G>A), located in coding exon 36 of the NF1 gene, results from a G to A substitution at nucleotide position 4825. The valine at codon 1609 is replaced by isoleucine, an amino acid with highly similar properties. This variant was not reported in population based cohorts in the following databases: Database of Single Nucleotide Polymorphisms (dbSNP), NHLBI Exome Sequencing Project (ESP), and 1000 Genomes Project. In the ESP, this variant was not observed in 6499 samples (12998 alleles) with coverage at this position.To date, this alteration has been detected with an allele frequency of approximately 0.003% (greater than 30000 alleles tested) in our clinical cohort. This amino acid position is not well conserved in available vertebrate species. In addition, this alteration is predicted to be tolerated by in silico analysis.<span style="color:rgb(54, 43, 54)">Since supporting evidence for this variant is limited at this time, the clinical significance of p.V1609Iremains unclear.

NM_001042492.3(NF1):c.4825G>A (p.Val1609Ile)

Gene: NF1 (neurofibromin 1; plus strand). Cytogenetic location: 17q11.2.
Variant type: single nucleotide variant.
Coding change: c.4825G>A on transcript NM_001042492.3 (MANE Select); coding-DNA position 4825, G replaced by A.
Protein change: p.Val1609Ile; replaces valine 1609 with isoleucine.
Molecular consequence: missense variant.
Genome position (GRCh38, 1-based): chr17:31,265,329, G>A. VCF-style: chr17-31265329-G-A. GRCh37 (hg19) VCF-style: chr17-29592347-G-A.
Other names: c.4762G>A, p.Val1588Ile (NM_000267.4); short protein forms V1588I, V1609I.
Identifiers: ClinVar variation 231123 (VCV000231123.14), dbSNP rs876658973, ClinGen allele CA10580327.